The following is an entry in ClinVar:

NM_001793.6(CDH3):c.2461G>C (p.Asp821His)

Gene: CDH3 (cadherin 3; plus strand). Cytogenetic location: 16q22.1.
Variant type: single nucleotide variant.
Coding change: c.2461G>C on transcript NM_001793.6 (MANE Select); coding-DNA position 2461, G replaced by C.
Protein change: p.Asp821His; replaces aspartic acid 821 with histidine.
Molecular consequence: missense variant. On other transcripts: 3 prime UTR variant (1).
Genome position (GRCh38, 1-based): chr16:68,698,371, G>C. VCF-style: chr16-68698371-G-C. GRCh37 (hg19) VCF-style: chr16-68732274-G-C.
Other names: c.*204G>C (NM_001317195.3); c.2296G>C, p.Asp766His (NM_001317196.2); short protein forms D766H, D821H.
Identifiers: ClinVar variation 3696551 (VCV003696551.2).

ClinVar aggregate classification (germline): Uncertain significance (1 of 4 stars; one submission).

gnomAD v4.1: 2 of 1,614,114 alleles (0.00012%); highest among the groups gnomAD compares: African/African-American, 0.0013%; no homozygotes.

Submission:

Labcorp Genetics (formerly Invitae), Labcorp
Classification: Uncertain significance. Last evaluated: 2024-03-01. Review status: criteria provided, single submitter. Criteria: Invitae Variant Classification Sherloc (09022015). Collection method: clinical testing. Allele origin: germline.
Comment: This sequence change replaces aspartic acid, which is acidic and polar, with histidine, which is basic and polar, at codon 821 of the CDH3 protein (p.Asp821His). This variant is not present in population databases (gnomAD no frequency). This variant has not been reported in the literature in individuals affected with CDH3-related conditions. Advanced modeling of protein sequence and biophysical properties (such as structural, functional, and spatial information, amino acid conservation, physicochemical variation, residue mobility, and thermodynamic stability) has been performed at Invitae for this missense variant, however the output from this modeling did not meet the statistical confidence thresholds required to predict the impact of this variant on CDH3 protein function. In summary, the available evidence is currently insufficient to determine the role of this variant in disease. Therefore, it has been classified as a Variant of Uncertain Significance.